The following is an entry in ClinVar:

ClinVar aggregate classification (germline): Likely benign (1 of 4 stars; one submission).

Submission:

GeneDx
Classification: Likely benign. Last evaluated: 2017-09-27. Review status: criteria provided, single submitter. Criteria: GeneDx Variant Classification (06012015). Collection method: clinical testing. Allele origin: germline. Affected: yes.
Comment: This variant is considered likely benign or benign based on one or more of the following criteria: it is a conservative change, it occurs at a poorly conserved position in the protein, it is predicted to be benign by multiple in silico algorithms, and/or has population frequency not consistent with disease.

NM_198525.3(KIF7):c.363G>C (p.Pro121=)

Gene: KIF7 (kinesin family member 7; minus strand). Cytogenetic location: 15q26.1.
Variant type: single nucleotide variant.
Coding change: c.363G>C on transcript NM_198525.3 (MANE Select); coding-DNA position 363, G replaced by C.
Protein change: p.Pro121=; no amino-acid change (proline 121 retained).
Molecular consequence: synonymous variant.
Genome position (GRCh38, 1-based): chr15:89,649,907, C>G on the plus strand (G>C on the coding strand, the complement: KIF7 is on the minus strand). VCF-style: chr15-89649907-C-G. GRCh37 (hg19) VCF-style: chr15-90193138-C-G.
Identifiers: ClinVar variation 512325 (VCV000512325.1), dbSNP rs772701177, ClinGen allele CA492104034.